The following is an entry in ClinVar:

ClinVar aggregate classification (germline): Uncertain significance. Review status: criteria provided, multiple submitters, no conflicts (2 of 4 stars). 3 submissions from 3 submitters: Uncertain significance (2). 1 of the submissions does not count toward it. Last evaluated 2024-11-13.

Conditions:
Hematuria, benign familial, 2 (BFH2). Identifiers: MedGen C5830421, MONDO:0958186, OMIM 620320.
Autosomal dominant Alport syndrome (ATS3A). Also called: Alport syndrome dominant type; Renal failure and sensorineural hearing loss; ALPORT SYNDROME 3A, AUTOSOMAL DOMINANT. Identifiers: Orphanet 63, Orphanet 88918, MedGen C5882663, MONDO:0007086, OMIM 104200.
Alport syndrome 3b, autosomal recessive. Identifiers: MedGen C5882699, MONDO:0957811, OMIM 620536.

Allele frequency attached by ClinVar (database versions not stated): ExAC 0.00002; TOPMed 0.00002; gnomAD 0.00003 and 0.00004; gnomAD exomes 0.00003 and 0.00005.
gnomAD v4.1: 48 of 1,614,020 alleles (0.003%); highest among the groups gnomAD compares: Non-Finnish European, 0.004%; no homozygotes.

Submissions (3):

Labcorp Genetics (formerly Invitae), Labcorp
Classification: Uncertain significance. Last evaluated: 2024-11-13. Review status: criteria provided, single submitter. Criteria: Invitae Variant Classification Sherloc (09022015). Collection method: clinical testing. Allele origin: germline.
Comment: This sequence change replaces serine, which is neutral and polar, with phenylalanine, which is neutral and non-polar, at codon 1591 of the COL4A3 protein (p.Ser1591Phe). This variant is present in population databases (rs558813497, gnomAD 0.01%). This missense change has been observed in individual(s) with Alport syndrome (PMID: 29854973). ClinVar contains an entry for this variant (Variation ID: 992404). Invitae Evidence Modeling of protein sequence and biophysical properties (such as structural, functional, and spatial information, amino acid conservation, physicochemical variation, residue mobility, and thermodynamic stability) indicates that this missense variant is expected to disrupt COL4A3 protein function with a positive predictive value of 80%. In summary, the available evidence is currently insufficient to determine the role of this variant in disease. Therefore, it has been classified as a Variant of Uncertain Significance.

Fulgent Genetics
Classification: Uncertain significance for Autosomal dominant Alport syndrome; Hematuria, benign familial, 2; Alport syndrome 3b, autosomal recessive. Last evaluated: 2024-06-03. Review status: criteria provided, single submitter. Criteria: ACMG Guidelines, 2015. Collection method: clinical testing. Allele origin: germline.

Bioscientia Institut fuer Medizinische Diagnostik GmbH, Sonic Healthcare
Classification: Uncertain significance for Autosomal dominant Alport syndrome. Last evaluated: 2020-06-24. Review status: no assertion criteria provided. Collection method: clinical testing. Allele origin: germline. Affected: yes. Not counted in ClinVar's aggregate classification.

Literature cited by the submitters: PubMed 29854973 (cited by Labcorp Genetics (formerly Invitae), Labcorp).

NM_000091.5(COL4A3):c.4772C>T (p.Ser1591Phe)

Genes: MFF-DT (MFF divergent transcript; minus strand), COL4A3 (collagen type IV alpha 3 chain; plus strand). Cytogenetic location: 2q36.3.
Variant type: single nucleotide variant.
Coding change: c.4772C>T on transcript NM_000091.5 (MANE Select); coding-DNA position 4772, C replaced by T.
Protein change: p.Ser1591Phe; replaces serine 1591 with phenylalanine.
Molecular consequence: missense variant.
Genome position (GRCh38, 1-based): chr2:227,310,792, C>T. VCF-style: chr2-227310792-C-T. GRCh37 (hg19) VCF-style: chr2-228175508-C-T.
Other names: short protein forms S1591F.
Identifiers: ClinVar variation 992404 (VCV000992404.7), dbSNP rs558813497, ClinGen allele CA2147646.
Genomic context (GRCh38, chr2:227,310,792, plus strand): 5'-CCCAATGGACAGAGTGTTTATTCAGATTTTTAAAATTGTGGTAGTTCACAAGTGCAGGTT[C>T]TGAGGGCACCGGGCAAGCACTGGCCTCCCCTGGCTCCTGCCTGGAAGAATTCCGAGCCAG-3'
Protein context (NP_000082.2, residues 1581-1601): FSFIMFTSAG[Ser1591Phe]EGTGQALASP